The following is an entry in ClinVar:

ClinVar aggregate classification (germline): Uncertain significance. Review status: criteria provided, multiple submitters, no conflicts (2 of 4 stars). 2 submissions from 2 submitters: Uncertain significance (2). Last evaluated 2022-07-27.

Conditions:
Donnai-Barrow syndrome. Also called: DBS/FOAR SYNDROME; FACIOOCULOACOUSTICORENAL SYNDROME. Identifiers: Orphanet 2143, MedGen C1857277, MONDO:0009104, OMIM 222448.

Allele frequency attached by ClinVar (database versions not stated): gnomAD exomes 0.00001; ExAC 0.00002.

Submissions (2):

Labcorp Genetics (formerly Invitae), Labcorp
Classification: Uncertain significance. Last evaluated: 2022-07-27. Review status: criteria provided, single submitter. Criteria: Invitae Variant Classification Sherloc (09022015). Collection method: clinical testing. Allele origin: germline.
Comment: This sequence change falls in intron 36 of the LRP2 gene. It does not directly change the encoded amino acid sequence of the LRP2 protein. It affects a nucleotide within the consensus splice site. This variant is present in population databases (rs758556195, gnomAD 0.01%). This variant has not been reported in the literature in individuals affected with LRP2-related conditions. ClinVar contains an entry for this variant (Variation ID: 332154). Variants that disrupt the consensus splice site are a relatively common cause of aberrant splicing (PMID: 17576681, 9536098). Algorithms developed to predict the effect of sequence changes on RNA splicing suggest that this variant is not likely to affect RNA splicing. In summary, the available evidence is currently insufficient to determine the role of this variant in disease. Therefore, it has been classified as a Variant of Uncertain Significance.

Illumina Laboratory Services, Illumina
Classification: Uncertain significance for Donnai-Barrow syndrome. Last evaluated: 2018-01-12. Review status: criteria provided, single submitter. Criteria: ICSL Variant Classification Criteria 13 December 2019. Collection method: clinical testing. Allele origin: germline.

Literature cited by the submitters: PubMed 17576681 (cited by Labcorp Genetics (formerly Invitae), Labcorp); PubMed 9536098 (cited by Labcorp Genetics (formerly Invitae), Labcorp).

NM_004525.3(LRP2):c.6040+3A>G

Gene: LRP2 (LDL receptor related protein 2; minus strand). Cytogenetic location: 2q31.1.
Variant type: single nucleotide variant.
Coding change: c.6040+3A>G on transcript NM_004525.3 (MANE Select); 3 bases into the intron after coding-DNA position 6040, A replaced by G.
Molecular consequence: intron variant.
Genome position (GRCh38, 1-based): chr2:169,213,654, T>C on the plus strand (A>G on the coding strand, the complement: LRP2 is on the minus strand). VCF-style: chr2-169213654-T-C. GRCh37 (hg19) VCF-style: chr2-170070164-T-C.
Identifiers: ClinVar variation 332154 (VCV000332154.6), dbSNP rs758556195, ClinGen allele CA1954390.